The following is an entry in ClinVar:

NM_021067.5(GINS1):c.179C>G (p.Pro60Arg)

Gene: GINS1 (GINS complex subunit 1; plus strand). Cytogenetic location: 20p11.21.
Variant type: single nucleotide variant.
Coding change: c.179C>G on transcript NM_021067.5 (MANE Select); coding-DNA position 179, C replaced by G.
Protein change: p.Pro60Arg; replaces proline 60 with arginine.
Molecular consequence: missense variant. On other transcripts: non-coding transcript variant (1), intron variant (1).
Genome position (GRCh38, 1-based): chr20:25,417,142, C>G. VCF-style: chr20-25417142-C-G. GRCh37 (hg19) VCF-style: chr20-25397778-C-G.
Other names: c.179C>G, p.Pro60Arg (NM_001410830.1); c.76-8069C>G (NM_001410831.1); c.179C>G (NM_021067.3); short protein forms P60R.
Identifiers: ClinVar variation 3006961 (VCV003006961.5), dbSNP rs1216064805, ClinGen allele CA408447362.

ClinVar aggregate classification (germline): Uncertain significance. Review status: criteria provided, multiple submitters, no conflicts (2 of 4 stars). 3 submissions from 3 submitters: Uncertain significance (3). Last evaluated 2025-06-09.

Allele frequency attached by ClinVar (database versions not stated): TOPMed below 0.00001; gnomAD 0.00001.

Submissions (3):

Labcorp Genetics (formerly Invitae), Labcorp
Classification: Uncertain significance. Last evaluated: 2025-06-09. Review status: criteria provided, single submitter. Criteria: Invitae Variant Classification Sherloc (09022015). Collection method: clinical testing. Allele origin: germline.
Comment: This sequence change replaces proline, which is neutral and non-polar, with arginine, which is basic and polar, at codon 60 of the GINS1 protein (p.Pro60Arg). This variant is not present in population databases (gnomAD no frequency). This variant has not been reported in the literature in individuals affected with GINS1-related conditions. ClinVar contains an entry for this variant (Variation ID: 3006961). An algorithm developed to predict the effect of missense changes on protein structure and function (PolyPhen-2) suggests that this variant is likely to be tolerated. In summary, the available evidence is currently insufficient to determine the role of this variant in disease. Therefore, it has been classified as a Variant of Uncertain Significance.

Ambry Genetics
Classification: Uncertain significance. Last evaluated: 2024-12-10. Review status: criteria provided, single submitter. Criteria: Ambry Variant Classification Scheme 2023. Collection method: clinical testing. Allele origin: germline.

Blueprint Genetics
Classification: Uncertain significance. Last evaluated: 2019-04-08. Review status: criteria provided, single submitter. Criteria: ACMG Guidelines, 2015. Collection method: clinical testing. Allele origin: germline.